The following is an entry in ClinVar:

NM_021083.4(XK):c.1221G>A (p.Pro407=)

Gene: XK (X-linked Kx blood group antigen, Kell and VPS13A binding protein; plus strand). Cytogenetic location: Xp21.1.
Variant type: single nucleotide variant.
Coding change: c.1221G>A on transcript NM_021083.4 (MANE Select); coding-DNA position 1221, G replaced by A.
Protein change: p.Pro407=; no amino-acid change (proline 407 retained).
Molecular consequence: synonymous variant.
Genome position (GRCh38, 1-based): chrX:37,728,348, G>A. VCF-style: chrX-37728348-G-A. GRCh37 (hg19) VCF-style: chrX-37587601-G-A.
Identifiers: ClinVar variation 695501 (VCV000695501.39), dbSNP rs371621478, ClinGen allele CA10383607.

ClinVar aggregate classification (germline): Benign/Likely benign. Review status: criteria provided, multiple submitters, no conflicts (2 of 4 stars). 3 submissions from 3 submitters: Benign (1); Likely benign (2). Last evaluated 2025-06-12.

Allele frequency attached by ClinVar (database versions not stated): TOPMed 0.00006; gnomAD 0.00009; gnomAD exomes 0.00009; ExAC 0.00013; 1000 Genomes Project 30x 0.00021; 1000 Genomes Project 0.00026.
gnomAD v4.1: 79 of 1,208,605 alleles (0.0065%); highest among the groups gnomAD compares: East Asian, 0.039%; 1 homozygote.

Submissions (3):

Labcorp Genetics (formerly Invitae), Labcorp
Classification: Benign. Last evaluated: 2025-06-12. Review status: criteria provided, single submitter. Criteria: Invitae Variant Classification Sherloc (09022015). Collection method: clinical testing. Allele origin: germline.

Blueprint Genetics
Classification: Likely benign. Last evaluated: 2024-11-20. Review status: criteria provided, single submitter. Criteria: ACMG Guidelines, 2015. Collection method: clinical testing. Allele origin: germline.

CeGaT Center for Human Genetics Tuebingen
Classification: Likely benign. Last evaluated: 2022-05-01. Review status: criteria provided, single submitter. Criteria: CeGaT Center For Human Genetics Tuebingen Variant Classification Criteria Version 2. Collection method: clinical testing. Allele origin: germline. Affected: yes. Observed: 1 variant allele.
Comment: XK: BP4, BP7